The following is an entry in ClinVar:

NM_005751.5(AKAP9):c.3418G>A (p.Asp1140Asn)

Gene: AKAP9 (A-kinase anchoring protein 9; plus strand). Cytogenetic location: 7q21.2.
Variant type: single nucleotide variant.
Coding change: c.3418G>A on transcript NM_005751.5 (MANE Select); coding-DNA position 3418, G replaced by A.
Protein change: p.Asp1140Asn; replaces aspartic acid 1140 with asparagine.
Molecular consequence: missense variant.
Genome position (GRCh38, 1-based): chr7:92,012,528, G>A. VCF-style: chr7-92012528-G-A. GRCh37 (hg19) VCF-style: chr7-91641842-G-A.
Other names: c.3418G>A, p.Asp1140Asn (NM_147185.3); short protein forms D1140N.
Identifiers: ClinVar variation 2005934 (VCV002005934.4), dbSNP rs1430333418, ClinGen allele CA368125953.

ClinVar aggregate classification (germline): Uncertain significance (1 of 4 stars; one submission).

Conditions:
Long QT syndrome (LQTS). Identifiers: MedGen C0023976, MeSH D008133, MONDO:0002442. Disease mechanism: loss of function. Inheritance: Various modes of inheritance.

Allele frequency attached by ClinVar (database versions not stated): gnomAD 0.00001; TOPMed 0.00001.
gnomAD v4.1: 3 of 1,613,848 alleles (0.00019%); highest among the groups gnomAD compares: African/African-American, 0.0013%; no homozygotes.

Submission:

Labcorp Genetics (formerly Invitae), Labcorp
Classification: Uncertain significance for Long QT syndrome. Last evaluated: 2022-10-09. Review status: criteria provided, single submitter. Criteria: Invitae Variant Classification Sherloc (09022015). Collection method: clinical testing. Allele origin: germline.
Comment: In summary, the available evidence is currently insufficient to determine the role of this variant in disease. Therefore, it has been classified as a Variant of Uncertain Significance. Algorithms developed to predict the effect of missense changes on protein structure and function are either unavailable or do not agree on the potential impact of this missense change (SIFT: "Deleterious"; PolyPhen-2: "Benign"; Align-GVGD: "Class C0"). This variant has not been reported in the literature in individuals affected with AKAP9-related conditions. This variant is not present in population databases (gnomAD no frequency). This sequence change replaces aspartic acid, which is acidic and polar, with asparagine, which is neutral and polar, at codon 1140 of the AKAP9 protein (p.Asp1140Asn).